The following is an entry in ClinVar:

NM_015270.5(ADCY6):c.2029C>A (p.Leu677Met)

Gene: ADCY6 (adenylate cyclase 6; minus strand). Cytogenetic location: 12q13.12.
Variant type: single nucleotide variant.
Coding change: c.2029C>A on transcript NM_015270.5 (MANE Select); coding-DNA position 2029, C replaced by A.
Protein change: p.Leu677Met; replaces leucine 677 with methionine.
Molecular consequence: missense variant.
Genome position (GRCh38, 1-based): chr12:48,775,006, G>T on the plus strand (C>A on the coding strand, the complement: ADCY6 is on the minus strand). VCF-style: chr12-48775006-G-T. GRCh37 (hg19) VCF-style: chr12-49168789-G-T.
Other names: short protein forms L677M.
Identifiers: ClinVar variation 791552 (VCV000791552.7), dbSNP rs77913913, ClinGen allele CA6541104.

ClinVar aggregate classification (germline): Benign. Review status: criteria provided, multiple submitters, no conflicts (2 of 4 stars). 3 submissions from 3 submitters: Benign (2). 1 of the submissions does not count toward it. Last evaluated 2019-12-31.

Conditions:
ADCY6-related disorder. Also called: ADCY6-related condition.

Allele frequency attached by ClinVar (database versions not stated): gnomAD exomes 0.00116 and 0.00301; ExAC 0.00703; gnomAD 0.01262 and 0.01367; ESP Exome Variant Server 0.01301; TOPMed 0.01411; 1000 Genomes Project 0.01498; 1000 Genomes Project 30x 0.01640.
gnomAD v4.1: 3,629 of 1,558,788 alleles (0.23%); highest among the groups gnomAD compares: African/African-American, 4.3%; 75 homozygotes.

Submissions (3):

Labcorp Genetics (formerly Invitae), Labcorp
Classification: Benign. Last evaluated: 2019-12-31. Review status: criteria provided, single submitter. Criteria: Invitae Variant Classification Sherloc (09022015). Collection method: clinical testing. Allele origin: germline.

Breakthrough Genomics
Classification: Benign. Review status: criteria provided, single submitter. Criteria: ACMG Guidelines, 2015. Collection method: not provided. Allele origin: germline. Inheritance: Autosomal recessive inheritance. Affected: yes.

PreventionGenetics, part of Exact Sciences
Classification: Benign for ADCY6-related condition. Last evaluated: 2019-04-10. Review status: no assertion criteria provided. Collection method: clinical testing. Allele origin: germline. Not counted in ClinVar's aggregate classification.
Comment: This variant is classified as benign based on ACMG/AMP sequence variant interpretation guidelines (Richards et al. 2015 PMID: 25741868, with internal and published modifications).